The following is an entry in ClinVar:

ClinVar aggregate classification (germline): Uncertain significance. Review status: criteria provided, multiple submitters, no conflicts (2 of 4 stars). 2 submissions from 2 submitters: Uncertain significance (2). Last evaluated 2022-12-16.

Conditions:
Developmental and epileptic encephalopathy, 12 (DEE12). Identifiers: MedGen C3150988, MONDO:0013389, OMIM 613722.

Allele frequency attached by ClinVar (database versions not stated): gnomAD exomes 0.00002.
gnomAD v4.1: 80 of 1,565,324 alleles (0.0051%); highest among the groups gnomAD compares: Non-Finnish European, 0.0063%; no homozygotes.

Submissions (2):

GeneDx
Classification: Uncertain significance. Last evaluated: 2022-12-16. Review status: criteria provided, single submitter. Criteria: GeneDx Variant Classification Process June 2021. Collection method: clinical testing. Allele origin: germline. Affected: yes.
Comment: Not observed at significant frequency in large population cohorts (gnomAD); In silico analysis supports that this missense variant does not alter protein structure/function; Has not been previously published as pathogenic or benign to our knowledge

Labcorp Genetics (formerly Invitae), Labcorp
Classification: Uncertain significance for Developmental and epileptic encephalopathy, 12. Last evaluated: 2021-08-24. Review status: criteria provided, single submitter. Criteria: Invitae Variant Classification Sherloc (09022015). Collection method: clinical testing. Allele origin: germline.
Comment: This sequence change replaces alanine with valine at codon 429 of the PNKP protein (p.Ala429Val). The alanine residue is weakly conserved and there is a small physicochemical difference between alanine and valine. This variant is not present in population databases (ExAC no frequency). This variant has not been reported in the literature in individuals affected with PNKP-related conditions. Algorithms developed to predict the effect of missense changes on protein structure and function (SIFT, PolyPhen-2, Align-GVGD) all suggest that this variant is likely to be tolerated. Algorithms developed to predict the effect of sequence changes on RNA splicing suggest that this variant may create or strengthen a splice site. In summary, the available evidence is currently insufficient to determine the role of this variant in disease. Therefore, it has been classified as a Variant of Uncertain Significance.

NM_007254.4(PNKP):c.1286C>T (p.Ala429Val)

Gene: PNKP (polynucleotide kinase 3'-phosphatase; minus strand). Cytogenetic location: 19q13.33.
Variant type: single nucleotide variant.
Coding change: c.1286C>T on transcript NM_007254.4 (MANE Select); coding-DNA position 1286, C replaced by T.
Protein change: p.Ala429Val; replaces alanine 429 with valine.
Molecular consequence: missense variant.
Genome position (GRCh38, 1-based): chr19:49,861,784, G>A on the plus strand (C>T on the coding strand, the complement: PNKP is on the minus strand). VCF-style: chr19-49861784-G-A. GRCh37 (hg19) VCF-style: chr19-50365041-G-A.
Other names: c.1286C>T (NM_007254.2); short protein forms A429V.
Identifiers: ClinVar variation 538899 (VCV000538899.9), dbSNP rs769707108, ClinGen allele CA309540019.